The following is an entry in ClinVar:

ClinVar aggregate classification (germline): Uncertain significance. Review status: criteria provided, multiple submitters, no conflicts (2 of 4 stars). 2 submissions from 2 submitters: Uncertain significance (2). Last evaluated 2022-03-18.

Allele frequency attached by ClinVar (database versions not stated): gnomAD 0.00004; gnomAD exomes 0.00004 and 0.00009; TOPMed 0.00004; ExAC 0.00009; ESP Exome Variant Server 0.00015.
gnomAD v4.1: 65 of 1,590,112 alleles (0.0041%); highest among the groups gnomAD compares: African/African-American, 0.0014%; no homozygotes.

Submissions (2):

Labcorp Genetics (formerly Invitae), Labcorp
Classification: Uncertain significance. Last evaluated: 2022-03-18. Review status: criteria provided, single submitter. Criteria: Invitae Variant Classification Sherloc (09022015). Collection method: clinical testing. Allele origin: germline.
Comment: This sequence change replaces histidine, which is basic and polar, with asparagine, which is neutral and polar, at codon 426 of the LOXL3 protein (p.His426Asn). This variant is present in population databases (rs369058623, gnomAD 0.2%). This variant has not been reported in the literature in individuals affected with LOXL3-related conditions. Algorithms developed to predict the effect of missense changes on protein structure and function are either unavailable or do not agree on the potential impact of this missense change (SIFT: "Deleterious"; PolyPhen-2: "Benign"; Align-GVGD: "Class C0"). In summary, the available evidence is currently insufficient to determine the role of this variant in disease. Therefore, it has been classified as a Variant of Uncertain Significance.

Breakthrough Genomics
Classification: Uncertain significance. Review status: criteria provided, single submitter. Criteria: ACMG Guidelines, 2015. Collection method: not provided. Allele origin: germline. Inheritance: Autosomal recessive inheritance. Affected: yes.

NM_032603.5(LOXL3):c.1276C>A (p.His426Asn)

Gene: LOXL3 (lysyl oxidase like 3; minus strand). Cytogenetic location: 2p13.1.
Variant type: single nucleotide variant.
Coding change: c.1276C>A on transcript NM_032603.5 (MANE Select); coding-DNA position 1276, C replaced by A.
Protein change: p.His426Asn; replaces histidine 426 with asparagine.
Molecular consequence: missense variant.
Genome position (GRCh38, 1-based): chr2:74,535,728, G>T on the plus strand (C>A on the coding strand, the complement: LOXL3 is on the minus strand). VCF-style: chr2-74535728-G-T. GRCh37 (hg19) VCF-style: chr2-74762855-G-T.
Other names: c.841C>A, p.His281Asn (NM_001289164.3); c.193C>A, p.His65Asn (NM_001289165.2); short protein forms H65N, H281N, H426N.
Identifiers: ClinVar variation 1366785 (VCV001366785.5), dbSNP rs369058623, ClinGen allele CA1728927.